The following is an entry in ClinVar:

NM_000393.5(COL5A2):c.3589G>A (p.Gly1197Arg)

Gene: COL5A2 (collagen type V alpha 2 chain; minus strand). Cytogenetic location: 2q32.2.
Variant type: single nucleotide variant.
Coding change: c.3589G>A on transcript NM_000393.5 (MANE Select); coding-DNA position 3589, G replaced by A.
Protein change: p.Gly1197Arg; replaces glycine 1197 with arginine.
Molecular consequence: missense variant.
Genome position (GRCh38, 1-based): chr2:189,041,630, C>T on the plus strand (G>A on the coding strand, the complement: COL5A2 is on the minus strand). VCF-style: chr2-189041630-C-T. GRCh37 (hg19) VCF-style: chr2-189906356-C-T.
Other names: short protein forms G1197R.
Identifiers: ClinVar variation 2093448 (VCV002093448.4), dbSNP rs2469227604, ClinGen allele CA349859757.
Genomic context (GRCh38, chr2:189,041,630, plus strand): 5'-ACCTTTGTGACTTTACCTCAGGTCCTGCTTCTCCTACACTGCCTCGTACACCTGGAGGTC[C>T]AATTGGCCCAAGTGGCCCAGGGTTTCCTTCTTTACCTGAAGGACCAACTGGGCCTGGAGG-3'
Protein context (NP_000384.2, residues 1187-1207): EGNPGPLGPI[Gly1197Arg]PPGVRGSVGE

ClinVar aggregate classification (germline): Uncertain significance (1 of 4 stars; one submission).

Conditions:
Ehlers-Danlos syndrome, classic type, 1 (EDSCL1). Also called: EHLERS-DANLOS SYNDROME, GRAVIS TYPE; EHLERS-DANLOS SYNDROME, SEVERE CLASSIC TYPE; Ehlers-Danlos syndrome, type 1; EDS I; Ehlers-Danlos Syndrome, Classic Type, COL5A1-Related. Identifiers: MedGen C0268335, MONDO:0019567, OMIM 130000.

Submission:

Labcorp Genetics (formerly Invitae), Labcorp
Classification: Uncertain significance for Ehlers-Danlos syndrome, classic type, 1. Last evaluated: 2022-09-10. Review status: criteria provided, single submitter. Criteria: Invitae Variant Classification Sherloc (09022015). Collection method: clinical testing. Allele origin: germline.
Comment: This sequence change replaces glycine, which is neutral and non-polar, with arginine, which is basic and polar, at codon 1197 of the COL5A2 protein (p.Gly1197Arg). This variant is not present in population databases (gnomAD no frequency). This variant has not been reported in the literature in individuals affected with COL5A2-related conditions. Advanced modeling of protein sequence and biophysical properties (such as structural, functional, and spatial information, amino acid conservation, physicochemical variation, residue mobility, and thermodynamic stability) performed at Invitae indicates that this missense variant is expected to disrupt COL5A2 protein function. In summary, the available evidence is currently insufficient to determine the role of this variant in disease. Therefore, it has been classified as a Variant of Uncertain Significance.